The following is an entry in ClinVar:

NM_004960.4(FUS):c.595C>G (p.Gln199Glu)

Gene: FUS (FUS RNA binding protein; plus strand). Cytogenetic location: 16p11.2.
Variant type: single nucleotide variant.
Coding change: c.595C>G on transcript NM_004960.4 (MANE Select); coding-DNA position 595, C replaced by G.
Protein change: p.Gln199Glu; replaces glutamine 199 with glutamic acid.
Molecular consequence: missense variant. On other transcripts: non-coding transcript variant (1).
Genome position (GRCh38, 1-based): chr16:31,185,010, C>G. VCF-style: chr16-31185010-C-G. GRCh37 (hg19) VCF-style: chr16-31196331-C-G.
Other names: c.592C>G, p.Gln198Glu (NM_001170634.1); c.583C>G, p.Gln195Glu (NM_001170937.1); short protein forms Q195E, Q198E, Q199E.
Identifiers: ClinVar variation 1318851 (VCV001318851.3), dbSNP rs1259128842, ClinGen allele CA395669766.
Genomic context (GRCh38, chr16:31,185,010, plus strand): 5'-CAAGATCAATCCTCCATGAGTAGTGGTGGTGGCAGTGGTGGCGGTTATGGCAATCAAGAC[C>G]AGAGTGGTGGAGGTGGCAGCGGTGGCTATGGACAGCAGGACCGTGGAGGCCGCGGCAGGG-3'
Protein context (NP_004951.1, residues 189-209): GSGGGYGNQD[Gln199Glu]SGGGGSGGYG

ClinVar aggregate classification (germline): Uncertain significance. Review status: criteria provided, multiple submitters, no conflicts (2 of 4 stars). 2 submissions from 2 submitters: Uncertain significance (2). Last evaluated 2025-09-05.

Conditions:
Inborn genetic diseases. Identifiers: MedGen C0950123, MeSH D030342.

Allele frequency attached by ClinVar (database versions not stated): gnomAD exomes below 0.00001 and 0.00001; gnomAD 0.00001 and 0.00004.
gnomAD v4.1: 24 of 1,613,084 alleles (0.0015%); highest among the groups gnomAD compares: South Asian, 0.016%; no homozygotes.

Submissions (2):

Ambry Genetics
Classification: Uncertain significance for Inborn genetic diseases. Last evaluated: 2025-09-05. Review status: criteria provided, single submitter. Criteria: Ambry Variant Classification Scheme 2023. Collection method: clinical testing. Allele origin: germline.

GeneDx
Classification: Uncertain significance. Last evaluated: 2019-08-28. Review status: criteria provided, single submitter. Criteria: GeneDx Variant Classification Process June 2021. Collection method: clinical testing. Allele origin: germline. Affected: yes.
Comment: Not observed at a significant frequency in large population cohorts (Lek et al., 2016); In silico analysis, which includes protein predictors and evolutionary conservation, supports that this variant does not alter protein structure/function; Has not been previously published as pathogenic or benign to our knowledge